The following is an entry in ClinVar:

ClinVar aggregate classification (germline): Uncertain significance (1 of 4 stars; one submission).

Conditions:
Intellectual developmental disorder with seizures and language delay (IDDSELD). Identifiers: MedGen C5436574, MONDO:0033559, OMIM 619000.

Submission:

3billion
Classification: Uncertain significance for Intellectual developmental disorder with seizures and language delay. Last evaluated: 2024-08-01. Review status: criteria provided, single submitter. Criteria: ACMG Guidelines, 2015. Collection method: clinical testing. Allele origin: germline. Affected: yes.
Comment: The variant is not observed in the gnomAD v4.0.0 dataset. Predicted Consequence/Location: Missense variant In silico tool predictions suggest damaging effect of the variant on gene or gene product [REVEL: 0.71 (>=0.6, sensitivity 0.68 and specificity 0.92)]. Therefore, this variant is classified as VUS according to the recommendation of ACMG/AMP guideline.

NM_001353345.2(SETD1B):c.868T>C (p.Ser290Pro)

Gene: SETD1B (SET domain containing 1B, histone lysine methyltransferase; plus strand). Cytogenetic location: 12q24.31.
Variant type: single nucleotide variant.
Coding change: c.868T>C on transcript NM_001353345.2 (MANE Select); coding-DNA position 868, T replaced by C.
Protein change: p.Ser290Pro; replaces serine 290 with proline.
Molecular consequence: missense variant.
Genome position (GRCh38, 1-based): chr12:121,809,813, T>C. VCF-style: chr12-121809813-T-C. GRCh37 (hg19) VCF-style: chr12-122247719-T-C.
Other names: short protein forms S290P.
Identifiers: ClinVar variation 4291968 (VCV004291968.1).